The following is an entry in ClinVar:

ClinVar aggregate classification (germline): Uncertain significance (1 of 4 stars; one submission).

Submission:

Labcorp Genetics (formerly Invitae), Labcorp
Classification: Uncertain significance. Last evaluated: 2023-08-18. Review status: criteria provided, single submitter. Criteria: Invitae Variant Classification Sherloc (09022015). Collection method: clinical testing. Allele origin: germline.
Comment: This variant has not been reported in the literature in individuals affected with STAG1-related conditions. Advanced modeling of protein sequence and biophysical properties (such as structural, functional, and spatial information, amino acid conservation, physicochemical variation, residue mobility, and thermodynamic stability) performed at Invitae indicates that this missense variant is not expected to disrupt STAG1 protein function. In summary, the available evidence is currently insufficient to determine the role of this variant in disease. Therefore, it has been classified as a Variant of Uncertain Significance. This sequence change replaces glutamine, which is neutral and polar, with histidine, which is basic and polar, at codon 651 of the STAG1 protein (p.Gln651His). This variant is not present in population databases (gnomAD no frequency).

NM_005862.3(STAG1):c.1953G>C (p.Gln651His)

Gene: STAG1 (STAG1 cohesin complex component; minus strand). Cytogenetic location: 3q22.3.
Variant type: single nucleotide variant.
Coding change: c.1953G>C on transcript NM_005862.3 (MANE Select); coding-DNA position 1953, G replaced by C.
Protein change: p.Gln651His; replaces glutamine 651 with histidine.
Molecular consequence: missense variant.
Genome position (GRCh38, 1-based): chr3:136,422,494, C>G on the plus strand (G>C on the coding strand, the complement: STAG1 is on the minus strand). VCF-style: chr3-136422494-C-G. GRCh37 (hg19) VCF-style: chr3-136141336-C-G.
Other names: short protein forms Q651H.
Identifiers: ClinVar variation 2753884 (VCV002753884.3), dbSNP rs2530395055, ClinGen allele CA354643948.